The following is an entry in ClinVar:

ClinVar aggregate classification (germline): Uncertain significance. Review status: criteria provided, multiple submitters, no conflicts (2 of 4 stars). 2 submissions from 2 submitters: Uncertain significance (2). Last evaluated 2026-08-06.

Conditions:
Cardiovascular phenotype. Identifiers: MedGen CN230736.
Autosomal recessive limb-girdle muscular dystrophy type 2J (LGMDR10). Also called: MUSCULAR DYSTROPHY, LIMB-GIRDLE, AUTOSOMAL RECESSIVE 10; Limb-girdle muscular dystrophy, type 2J. Identifiers: Orphanet 140922, MedGen C1837342, MONDO:0012127, OMIM 608807.

Allele frequency attached by ClinVar (database versions not stated): gnomAD 0.00001; TOPMed 0.00001.
gnomAD v4.1: 1 of 1,608,948 alleles (0.000062%); highest among the groups gnomAD compares: Admixed American, 0.0017%; no homozygotes.

Submissions (2):

OLLIN Analises Genomicas, OLLIN
Classification: Uncertain significance for Autosomal recessive limb-girdle muscular dystrophy type 2J. Last evaluated: 2026-08-06. Review status: criteria provided, single submitter. Criteria: ACMG Guidelines 2015 PMID 25741868. Collection method: clinical testing. Allele origin: germline. Inheritance: Autosomal dominant inheritance.
Comment: This missense variant, located in exon 236 (of 363), has been reported in ClinVar (accession VCV001777197.2) and in gnomAD with an allele frequency of 0.000062%. However, to our knowledge, it has not been reported in the scientific literature. In silico analysis is inconclusive regarding the impact of this variant. According to the currently available evidence, this variant has been classified as uncertain significance (PM2_P).

Ambry Genetics
Classification: Uncertain significance for Cardiovascular phenotype. Last evaluated: 2020-07-08. Review status: criteria provided, single submitter. Criteria: Ambry Variant Classification Scheme 2023. Collection method: clinical testing. Allele origin: germline.
Comment: The p.Q5500P variant (also known as c.16499A>C), located in coding exon 63 of the TTN gene, results from an A to C substitution at nucleotide position 16499. The glutamine at codon 5500 is replaced by proline, an amino acid with similar properties. This amino acid position is not well conserved in available vertebrate species. In addition, the in silico prediction for this alteration is inconclusive. Since supporting evidence is limited at this time, the clinical significance of this alteration remains unclear.

NM_001267550.2(TTN):c.43694A>C (p.Gln14565Pro)

Gene: TTN (titin; minus strand). Cytogenetic location: 2q31.2.
Variant type: single nucleotide variant.
Coding change: c.43694A>C on transcript NM_001267550.2 (MANE Select); coding-DNA position 43694, A replaced by C.
Protein change: p.Gln14565Pro; replaces glutamine 14565 with proline.
Molecular consequence: missense variant.
Genome position (GRCh38, 1-based): chr2:178,632,200, T>G on the plus strand (A>C on the coding strand, the complement: TTN is on the minus strand). VCF-style: chr2-178632200-T-G. GRCh37 (hg19) VCF-style: chr2-179496927-T-G.
Other names: c.38771A>C, p.Gln12924Pro (NM_001256850.1); c.16499A>C, p.Gln5500Pro (NM_003319.4); c.35990A>C, p.Gln11997Pro (NM_133378.4); c.16874A>C, p.Gln5625Pro (NM_133432.3); c.17075A>C, p.Gln5692Pro (NM_133437.4); short protein forms Q12924P, Q14565P, Q5625P, Q5692P, Q11997P, Q5500P.
Identifiers: ClinVar variation 1777197 (VCV001777197.3), dbSNP rs1357364341, ClinGen allele CA349649363.